The following is an entry in ClinVar:

NM_001297.5(CNGB1):c.1028T>A (p.Met343Lys)

Gene: CNGB1 (cyclic nucleotide gated channel subunit beta 1; minus strand). Cytogenetic location: 16q21.
Variant type: single nucleotide variant.
Coding change: c.1028T>A on transcript NM_001297.5 (MANE Select); coding-DNA position 1028, T replaced by A.
Protein change: p.Met343Lys; replaces methionine 343 with lysine.
Molecular consequence: missense variant.
Genome position (GRCh38, 1-based): chr16:57,950,387, A>T on the plus strand (T>A on the coding strand, the complement: CNGB1 is on the minus strand). VCF-style: chr16-57950387-A-T. GRCh37 (hg19) VCF-style: chr16-57984291-A-T.
Other names: c.1010T>A, p.Met337Lys (NM_001286130.2); short protein forms M337K, M343K.
Identifiers: ClinVar variation 1962150 (VCV001962150.5), dbSNP rs202174131, ClinGen allele CA396075388.

ClinVar aggregate classification (germline): Uncertain significance (1 of 4 stars; one submission).

gnomAD v4.1: 1 of 1,614,220 alleles (0.000062%); highest among the groups gnomAD compares: Admixed American, 0.0017%; no homozygotes.

Submission:

Labcorp Genetics (formerly Invitae), Labcorp
Classification: Uncertain significance. Last evaluated: 2022-08-16. Review status: criteria provided, single submitter. Criteria: Invitae Variant Classification Sherloc (09022015). Collection method: clinical testing. Allele origin: germline.
Comment: In summary, the available evidence is currently insufficient to determine the role of this variant in disease. Therefore, it has been classified as a Variant of Uncertain Significance. Advanced modeling of protein sequence and biophysical properties (such as structural, functional, and spatial information, amino acid conservation, physicochemical variation, residue mobility, and thermodynamic stability) performed at Invitae indicates that this missense variant is not expected to disrupt CNGB1 protein function. This variant has not been reported in the literature in individuals affected with CNGB1-related conditions. This variant is present in population databases (no rsID available, gnomAD 0.003%). This sequence change replaces methionine, which is neutral and non-polar, with lysine, which is basic and polar, at codon 343 of the CNGB1 protein (p.Met343Lys).